The following is an entry in ClinVar:

ClinVar aggregate classification (germline): Pathogenic (1 of 4 stars; one submission).

Conditions:
Niemann-Pick disease, type C1. Also called: NEUROVISCERAL STORAGE DISEASE WITH VERTICAL SUPRANUCLEAR OPHTHALMOPLEGIA; NIEMANN-PICK DISEASE WITH CHOLESTEROL ESTERIFICATION BLOCK; NIEMANN-PICK DISEASE WITHOUT SPHINGOMYELINASE DEFICIENCY; NIEMANN-PICK DISEASE, CHRONIC NEURONOPATHIC FORM; NIEMANN-PICK DISEASE, VARIANT TYPE C1. Identifiers: Orphanet 646, MedGen C3179455, MONDO:0009757, OMIM 257220.

Submission:

Labcorp Genetics (formerly Invitae), Labcorp
Classification: Pathogenic for Niemann-Pick disease, type C1. Last evaluated: 2023-03-01. Review status: criteria provided, single submitter. Criteria: Invitae Variant Classification Sherloc (09022015). Collection method: clinical testing. Allele origin: germline.
Comment: This variant is not present in population databases (gnomAD no frequency). This sequence change creates a premature translational stop signal (p.Arg726Glnfs*17) in the NPC1 gene. It is expected to result in an absent or disrupted protein product. Loss-of-function variants in NPC1 are known to be pathogenic (PMID: 9211850). This variant has not been reported in the literature in individuals affected with NPC1-related conditions. ClinVar contains an entry for this variant (Variation ID: 2032467). For these reasons, this variant has been classified as Pathogenic.

Literature cited by the submitters: PubMed 9211850.

NM_000271.5(NPC1):c.2175dup (p.Arg726fs)

Gene: NPC1 (NPC intracellular cholesterol transporter 1; minus strand). Cytogenetic location: 18q11.2.
Variant type: Duplication.
Coding change: c.2175dup on transcript NM_000271.5 (MANE Select); coding-DNA position 2175, one base duplicated (C; older notation c.2175dupC).
Protein change: p.Arg726fs; shifts the reading frame from arginine 726.
Molecular consequence: frameshift variant.
Genome position (GRCh38, 1-based): chr18:23,543,525, G duplicated on the plus strand (C on the coding strand, the reverse complement: NPC1 is on the minus strand). VCF-style (leftmost placement, unchanged base first): chr18-23543524-T-TG. GRCh37 (hg19) VCF-style: chr18-21123488-T-TG.
Other names: short protein forms R726fs.
Identifiers: ClinVar variation 2032467 (VCV002032467.4), dbSNP rs2511230006, ClinGen allele CA2580095595.